The following is an entry in ClinVar:

ClinVar aggregate classification (germline): Conflicting classifications of pathogenicity. Review status: criteria provided, conflicting classifications (1 of 4 stars). 5 submissions from 5 submitters: Uncertain significance (4); Benign (1). Last evaluated 2026-06-29.

Conditions:
ZNF423-related disorder. Also called: ZNF423-related condition.
Nephronophthisis 14 (NPHP14). Identifiers: Orphanet 2318, MedGen C3539071, MONDO:0013916, OMIM 614844.
Tibial muscular dystrophy (TMD). Also called: Tibial muscular dystrophy, tardive; Udd Distal Myopathy – Tibial Muscular Dystrophy; UDD MYOPATHY. Identifiers: Orphanet 609, MedGen C1838244, MONDO:0010870, OMIM 600334.

Allele frequency attached by ClinVar (database versions not stated): TOPMed 0.00014; ExAC 0.00015; gnomAD exomes 0.00016 and 0.00017; ESP Exome Variant Server 0.00023; gnomAD 0.00011.
gnomAD v4.1: 260 of 1,613,374 alleles (0.016%); highest among the groups gnomAD compares: Admixed American, 0.028%; 1 homozygote.

Submissions (5):

PreventionGenetics, part of Exact Sciences
Classification: Uncertain significance for ZNF423-related condition. Last evaluated: 2026-06-29. Review status: criteria provided, single submitter. Criteria: ACMG Guidelines, 2015. Collection method: clinical testing. Allele origin: germline.
Comment: The ZNF423 c.2960C>T variant is predicted to result in the amino acid substitution p.Thr987Met. To our knowledge, this variant has not been reported in the literature. This variant is reported in 0.037% of alleles in individuals of Latino descent in gnomAD. At this time, the clinical significance of this variant is uncertain due to the absence of conclusive functional and genetic evidence.

Johns Hopkins Genomics, Johns Hopkins University
Classification: Benign for Tibial muscular dystrophy. Last evaluated: 2024-12-26. Review status: criteria provided, single submitter. Criteria: ACMG Guidelines, 2015. Collection method: clinical testing. Allele origin: germline.
Comment: This variant is classified as benign (PM2, PP3, BS1, BS2).

Labcorp Genetics (formerly Invitae), Labcorp
Classification: Uncertain significance for Nephronophthisis 14. Last evaluated: 2023-12-11. Review status: criteria provided, single submitter. Criteria: Invitae Variant Classification Sherloc (09022015). Collection method: clinical testing. Allele origin: germline.
Comment: This sequence change replaces threonine, which is neutral and polar, with methionine, which is neutral and non-polar, at codon 987 of the ZNF423 protein (p.Thr987Met). This variant is present in population databases (rs143393771, gnomAD 0.03%). This variant has not been reported in the literature in individuals affected with ZNF423-related conditions. ClinVar contains an entry for this variant (Variation ID: 641503). Advanced modeling of protein sequence and biophysical properties (such as structural, functional, and spatial information, amino acid conservation, physicochemical variation, residue mobility, and thermodynamic stability) performed at Invitae indicates that this missense variant is not expected to disrupt ZNF423 protein function with a negative predictive value of 80%. In summary, the available evidence is currently insufficient to determine the role of this variant in disease. Therefore, it has been classified as a Variant of Uncertain Significance.

Ambry Genetics
Classification: Uncertain significance. Last evaluated: 2021-08-16. Review status: criteria provided, single submitter. Criteria: Ambry Variant Classification Scheme 2023. Collection method: clinical testing. Allele origin: germline.

Baylor Genetics
Classification: Uncertain significance for Nephronophthisis 14. Last evaluated: 2019-03-23. Review status: criteria provided, single submitter. Criteria: ACMG Guidelines, 2015. Collection method: clinical testing. Allele origin: unknown. Affected: yes.
Comment: This variant was determined to be of uncertain significance according to ACMG Guidelines, 2015 [PMID:25741868].

NM_001379286.1(ZNF423):c.2984C>T (p.Thr995Met)

Gene: ZNF423 (zinc finger protein 423; minus strand). Cytogenetic location: 16q12.1.
Variant type: single nucleotide variant.
Coding change: c.2984C>T on transcript NM_001379286.1 (MANE Select); coding-DNA position 2984, C replaced by T.
Protein change: p.Thr995Met; replaces threonine 995 with methionine.
Molecular consequence: missense variant.
Genome position (GRCh38, 1-based): chr16:49,636,192, G>A on the plus strand (C>T on the coding strand, the complement: ZNF423 is on the minus strand). VCF-style: chr16-49636192-G-A. GRCh37 (hg19) VCF-style: chr16-49670103-G-A.
Other names: c.2960C>T (NM_015069.4); c.2780C>T, p.Thr927Met (NM_001271620.2); c.2609C>T, p.Thr870Met (NM_001330533.2); c.2960C>T, p.Thr987Met (NM_015069.5); short protein forms T870M, T927M, T987M, T995M.
Identifiers: ClinVar variation 641503 (VCV000641503.8), dbSNP rs143393771, ClinGen allele CA8046402.